The following is an entry in ClinVar:

NM_001379451.1(BCORL1):c.2398A>G (p.Lys800Glu)

Gene: BCORL1 (BCL6 corepressor like 1; plus strand). Cytogenetic location: Xq26.1.
Variant type: single nucleotide variant.
Coding change: c.2398A>G on transcript NM_001379451.1 (MANE Select); coding-DNA position 2398, A replaced by G.
Protein change: p.Lys800Glu; replaces lysine 800 with glutamic acid.
Molecular consequence: missense variant.
Genome position (GRCh38, 1-based): chrX:130,015,170, A>G. VCF-style: chrX-130015170-A-G. GRCh37 (hg19) VCF-style: chrX-129149146-A-G.
Other names: c.2398A>G, p.Lys800Glu (NM_001184772.3, NM_001379450.1, NM_001441326.1 and 7 more transcripts); short protein forms K800E.
Identifiers: ClinVar variation 5037368 (VCV005037368.1).

ClinVar aggregate classification (germline): Uncertain significance (1 of 4 stars; one submission).

Submission:

GeneDx
Classification: Uncertain significance. Last evaluated: 2026-04-17. Review status: criteria provided, single submitter. Criteria: GeneDx Variant Classification Process June 2021. Collection method: clinical testing. Allele origin: germline.
Comment: Not observed at significant frequency in large population cohorts (gnomAD); In silico analysis suggests that this missense variant does not alter protein structure/function; Has not been previously published as pathogenic or benign to our knowledge